The following is an entry in ClinVar:

ClinVar aggregate classification (germline): Likely pathogenic (1 of 4 stars; one submission).

Conditions:
TH-deficient dopa-responsive dystonia. Also called: DYT-TH; Tyrosine Hydroxylase-Deficient Dopa-Responsive Dystonia; Segawa syndrome, autosomal recessive. Identifiers: Orphanet 101150, MedGen C2673535, MONDO:0011551, OMIM 605407.

Submission:

Natera, Inc.
Classification: Likely pathogenic for Autosomal recessive Segawa syndrome. Last evaluated: 2025-04-25. Review status: criteria provided, single submitter. Criteria: Natera Variant Classification Schema (03/2026). Collection method: clinical testing. Allele origin: germline.
Comment: The c.962_965del variant in TH is a frameshift variant predicted to shift the reading frame beginning at codon 321 and leads to a stop codon 95 codons downstream. This variant is expected to result in nonsense mediated decay, truncation, or a dysfunctional protein product. This variant is rare in the general population with a frequency below the threshold expected for the associated phenotype(s). Given the available evidence, this variant is classified as Likely Pathogenic.

NM_000360.4(TH):c.869_872del (p.Val290fs)

Gene: TH (tyrosine hydroxylase; minus strand). Cytogenetic location: 11p15.5.
Variant type: Deletion.
Coding change: c.869_872del on transcript NM_000360.4 (MANE Select); coding-DNA positions 869 to 872, 4 bases deleted (TGGC; older notation c.869_872delTGGC).
Protein change: p.Val290fs; shifts the reading frame from valine 290.
Molecular consequence: frameshift variant.
Genome position (GRCh38, 1-based): chr11:2,166,738-2,166,741, GCCA deleted on the plus strand (TGGC on the coding strand, the reverse complement: TH is on the minus strand). VCF-style (leftmost placement, unchanged base first): chr11-2166737-GGCCA-G. GRCh37 (hg19) VCF-style: chr11-2187967-GGCCA-G.
Other names: c.962_965del, p.Val321fs (NM_199292.3); c.950_953del, p.Val317fs (NM_199293.3); short protein forms V290fs, V317fs, V321fs.
Identifiers: ClinVar variation 4062295 (VCV004062295.2).